The following is an entry in ClinVar:

ClinVar aggregate classification (germline): Pathogenic. Review status: criteria provided, multiple submitters, no conflicts (2 of 4 stars). 4 submissions from 4 submitters: Pathogenic (3). 1 of the submissions does not count toward it. Last evaluated 2025-11-29.

Conditions:
Gillespie syndrome (GLSP). Also called: Aniridia, cerebellar ataxia, and mental deficiency; Aniridia-cerebellar ataxia-intellectual disability syndrome. Identifiers: Orphanet 1065, MedGen C0431401, MONDO:0008795, OMIM 206700.

Submissions (4):

3billion
Classification: Pathogenic for Gillespie syndrome. Last evaluated: 2025-11-29. Review status: criteria provided, single submitter. Criteria: ACMG Guidelines, 2015. Collection method: clinical testing. Allele origin: germline. Affected: yes.
Comment: The variant is not observed in the gnomAD v4.1.0 dataset. Predicted Consequence/Location: Missense variant. Missense changes are a common disease-causing mechanism. In silico tool predictions suggest damaging effect of the variant on gene or gene product [REVEL: 0.96 (>=0.6, sensitivity 0.68 and specificity 0.92); 3Cnet: 0.99 (> 0.75, sensitivity 0.96 and precision 0.92)]. The same nucleotide change resulting in the same amino acid change has been previously reported as pathogenic/likely pathogenic with strong evidence (ClinVar ID: VCV000235923 /PMID: 27108798). The variant has been observed in multiple (>3) similarly affected unrelated individuals (PMID: 27108798). A different missense change at the same codon (p.Gly2554Leu) has been reported to be associated with ITPR1-related disorder (PMID: 36028527). Therefore, this variant is classified as Pathogenic according to the recommendation of ACMG/AMP guideline.

GeneDx
Classification: Pathogenic. Last evaluated: 2022-01-20. Review status: criteria provided, single submitter. Criteria: GeneDx Variant Classification Process June 2021. Collection method: clinical testing. Allele origin: germline. Affected: yes.
Comment: Not observed in large population cohorts (gnomAD); In silico analysis supports that this missense variant has a deleterious effect on protein structure/function; This variant is associated with the following publications: (PMID: 31785789, 27108798)

CeGaT Center for Human Genetics Tuebingen
Classification: Pathogenic. Last evaluated: 2021-02-01. Review status: criteria provided, single submitter. Criteria: CeGaT Center For Human Genetics Tuebingen Variant Classification Criteria Version 2. Collection method: clinical testing. Allele origin: germline. Affected: yes. Observed: 1 variant allele.

OMIM
Classification: Pathogenic for GILLESPIE SYNDROME. Last evaluated: 2016-07-20. Review status: no assertion criteria provided. Collection method: literature only. Allele origin: germline. Not counted in ClinVar's aggregate classification.

Literature cited by the submitters: PubMed 27108798 (cited by 3billion and OMIM); PubMed 36028527 (cited by 3billion).

NM_001378452.1(ITPR1):c.7660G>C (p.Gly2554Arg)

Genes: ITPR1 (inositol 1,4,5-trisphosphate receptor type 1; plus strand), LOC126806590 (MED14-independent group 3 enhancer GRCh37_chr3:4855759-4856958; plus strand). Cytogenetic location: 3p26.1.
Variant type: single nucleotide variant.
Coding change: c.7660G>C on transcript NM_001378452.1 (MANE Select); coding-DNA position 7660, G replaced by C.
Protein change: p.Gly2554Arg; replaces glycine 2554 with arginine.
Molecular consequence: missense variant.
Genome position (GRCh38, 1-based): chr3:4,814,521, G>C. VCF-style: chr3-4814521-G-C. GRCh37 (hg19) VCF-style: chr3-4856205-G-C.
Other names: ITPR1, GLY2539ARG, 7615G-C; c.7516G>C, p.Gly2506Arg (NM_001099952.4); c.7615G>C, p.Gly2539Arg (NM_001168272.2); c.7471G>C, p.Gly2491Arg (NM_002222.7); short protein forms G2539R, G2506R, G2491R, G2554R.
Identifiers: ClinVar variation 235923 (VCV000235923.39), dbSNP rs752281590, ClinGen allele CA10581498.